The following is an entry in ClinVar:

ClinVar aggregate classification (germline): Uncertain significance. Review status: criteria provided, multiple submitters, no conflicts (2 of 4 stars). 3 submissions from 3 submitters: Uncertain significance (3). Last evaluated 2025-05-22.

Conditions:
Hereditary cancer-predisposing syndrome. Also called: Hereditary neoplastic syndrome; Neoplastic Syndromes, Hereditary; Hereditary Cancer Syndrome; Tumor predisposition. Identifiers: Orphanet 140162, MedGen C0027672, MeSH D009386, MONDO:0015356.

Allele frequency attached by ClinVar (database versions not stated): gnomAD exomes below 0.00001.
gnomAD v4.1: 2 of 1,599,784 alleles (0.00013%); highest among the groups gnomAD compares: Non-Finnish European, 0.00017%; no homozygotes.

Submissions (3):

Ambry Genetics
Classification: Uncertain significance for Hereditary cancer-predisposing syndrome. Last evaluated: 2025-05-22. Review status: criteria provided, single submitter. Criteria: Ambry Variant Classification Scheme 2023. Collection method: clinical testing. Allele origin: germline.
Comment: The p.V1727M variant (also known as c.5179G>A), located in coding exon 39 of the POLE gene, results from a G to A substitution at nucleotide position 5179. The valine at codon 1727 is replaced by methionine, an amino acid with highly similar properties. This amino acid position is conserved. In addition, this alteration is predicted to be tolerated by in silico analysis. Since supporting evidence is limited at this time, the clinical significance of this alteration remains unclear.

GeneDx
Classification: Uncertain significance. Last evaluated: 2025-01-22. Review status: criteria provided, single submitter. Criteria: GeneDx Variant Classification Process June 2021. Collection method: clinical testing. Allele origin: germline. Affected: yes.
Comment: Not observed at significant frequency in large population cohorts (gnomAD); In silico analysis indicates that this missense variant does not alter protein structure/function; Has not been previously published as pathogenic or benign to our knowledge

Labcorp Genetics (formerly Invitae), Labcorp
Classification: Uncertain significance. Last evaluated: 2024-02-23. Review status: criteria provided, single submitter. Criteria: Invitae Variant Classification Sherloc (09022015). Collection method: clinical testing. Allele origin: germline.
Comment: This sequence change replaces valine, which is neutral and non-polar, with methionine, which is neutral and non-polar, at codon 1727 of the POLE protein (p.Val1727Met). This variant is not present in population databases (gnomAD no frequency). This variant has not been reported in the literature in individuals affected with POLE-related conditions. ClinVar contains an entry for this variant (Variation ID: 967148). Advanced modeling of protein sequence and biophysical properties (such as structural, functional, and spatial information, amino acid conservation, physicochemical variation, residue mobility, and thermodynamic stability) performed at Invitae indicates that this missense variant is not expected to disrupt POLE protein function with a negative predictive value of 80%. In summary, the available evidence is currently insufficient to determine the role of this variant in disease. Therefore, it has been classified as a Variant of Uncertain Significance.

NM_006231.4(POLE):c.5179G>A (p.Val1727Met)

Gene: POLE (DNA polymerase epsilon, catalytic subunit; minus strand). Cytogenetic location: 12q24.33.
Variant type: single nucleotide variant.
Coding change: c.5179G>A on transcript NM_006231.4 (MANE Select); coding-DNA position 5179, G replaced by A.
Protein change: p.Val1727Met; replaces valine 1727 with methionine.
Molecular consequence: missense variant.
Genome position (GRCh38, 1-based): chr12:132,641,846, C>T on the plus strand (G>A on the coding strand, the complement: POLE is on the minus strand). VCF-style: chr12-132641846-C-T. GRCh37 (hg19) VCF-style: chr12-133218432-C-T.
Other names: short protein forms V1727M.
Identifiers: ClinVar variation 967148 (VCV000967148.14), dbSNP rs2042151724, ClinGen allele CA387376528.